The following is an entry in ClinVar:

ClinVar aggregate classification (germline): Benign (1 of 4 stars; one submission).

Conditions:
Amyotrophic lateral sclerosis type 10 (ALS10). Also called: AMYOTROPHIC LATERAL SCLEROSIS 10 WITHOUT FRONTOTEMPORAL DEMENTIA AND WITH TDP43 INCLUSIONS; AMYOTROPHIC LATERAL SCLEROSIS 10 WITH OR WITHOUT FRONTOTEMPORAL DEMENTIA AND WITH TDP43 INCLUSIONS; AMYOTROPHIC LATERAL SCLEROSIS 10 WITH OR WITHOUT FRONTOTEMPORAL DEMENTIA; TARDBP-Related Amyotrophic Lateral Sclerosis-Frontotemporal Dementia; Amyotrophic lateral sclerosis 10, with or without FTD. Identifiers: Orphanet 275872, Orphanet 803, MedGen C2677565, MONDO:0012790, OMIM 612069.

Allele frequency attached by ClinVar (database versions not stated): 1000 Genomes Project 0.01937; gnomAD 0.02006 and 0.02160; 1000 Genomes Project 30x 0.02046; TOPMed 0.02259.

Submission:

Illumina Laboratory Services, Illumina
Classification: Benign for Amyotrophic lateral sclerosis type 10. Last evaluated: 2018-01-13. Review status: criteria provided, single submitter. Criteria: ICSL Variant Classification Criteria 13 December 2019. Collection method: clinical testing. Allele origin: germline.
Comment: This variant was observed in the ICSL laboratory as part of a predisposition screen in an ostensibly healthy population. It had not been previously curated by ICSL or reported in the Human Gene Mutation Database (HGMD: prior to June 1st, 2018), and was therefore a candidate for classification through an automated scoring system. Utilizing variant allele frequency, disease prevalence and penetrance estimates, and inheritance mode, an automated score was calculated to assess if this variant is too frequent to cause the disease. Based on the score and internal cut-off values, a variant classified as benign is not then subjected to further curation. The score for this variant resulted in a classification of benign for this disease.

NM_007375.4(TARDBP):c.*2331A>G

Gene: TARDBP (TAR DNA binding protein; plus strand). Cytogenetic location: 1p36.22.
Variant type: single nucleotide variant.
Coding change: c.*2331A>G on transcript NM_007375.4 (MANE Select); 2331 bases downstream of the stop codon, A replaced by G.
Molecular consequence: 3 prime UTR variant.
Genome position (GRCh38, 1-based): chr1:11,024,985, A>G. VCF-style: chr1-11024985-A-G. GRCh37 (hg19) VCF-style: chr1-11085042-A-G.
Identifiers: ClinVar variation 291764 (VCV000291764.6), dbSNP rs114897688, ClinGen allele CA10607316.
Genomic context (GRCh38, chr1:11,024,985, plus strand): 5'-GGTTTGTCATTTTGCAAGTTACATAAACATTTATCAATGAAGTCATCCTTTAGACTTGTA[A>G]TCGCCACATTGTTTCATTATTCAGTTTCCTCTGTAAAGGGATCTTGAGTTGTTTTAATTT-3'